The following is an entry in ClinVar:

ClinVar aggregate classification (germline): Uncertain significance. Review status: criteria provided, multiple submitters, no conflicts (2 of 4 stars). 3 submissions from 3 submitters: Uncertain significance (3). Last evaluated 2024-05-15.

Conditions:
Inborn genetic diseases. Identifiers: MedGen C0950123, MeSH D030342.
Focal segmental glomerulosclerosis 3, susceptibility to (FSGS3). Identifiers: Orphanet 656, MedGen C1842982, MONDO:0011917, OMIM 607832.

Allele frequency attached by ClinVar (database versions not stated): gnomAD 0.00001; TOPMed 0.00001; gnomAD exomes 0.00003 and 0.00005; ExAC 0.00004.
gnomAD v4.1: 67 of 1,611,998 alleles (0.0042%); highest among the groups gnomAD compares: Non-Finnish European, 0.0057%; no homozygotes.

Submissions (3):

Fulgent Genetics
Classification: Uncertain significance for Focal segmental glomerulosclerosis 3, susceptibility to. Last evaluated: 2024-05-15. Review status: criteria provided, single submitter. Criteria: ACMG Guidelines, 2015. Collection method: clinical testing. Allele origin: germline.

Ambry Genetics
Classification: Uncertain significance for Inborn genetic diseases. Last evaluated: 2022-12-06. Review status: criteria provided, single submitter. Criteria: Ambry Variant Classification Scheme 2023. Collection method: clinical testing. Allele origin: germline.

Labcorp Genetics (formerly Invitae), Labcorp
Classification: Uncertain significance. Last evaluated: 2021-09-01. Review status: criteria provided, single submitter. Criteria: Invitae Variant Classification Sherloc (09022015). Collection method: clinical testing. Allele origin: germline.
Comment: This sequence change replaces valine with phenylalanine at codon 430 of the CD2AP protein (p.Val430Phe). The valine residue is moderately conserved and there is a small physicochemical difference between valine and phenylalanine. This variant is present in population databases (rs764233188, ExAC 0.008%). This variant has not been reported in the literature in individuals affected with CD2AP-related conditions. Algorithms developed to predict the effect of missense changes on protein structure and function (SIFT, PolyPhen-2, Align-GVGD) all suggest that this variant is likely to be tolerated. In summary, the available evidence is currently insufficient to determine the role of this variant in disease. Therefore, it has been classified as a Variant of Uncertain Significance.

NM_012120.3(CD2AP):c.1288G>T (p.Val430Phe)

Gene: CD2AP (CD2 associated protein; plus strand). Cytogenetic location: 6p12.3.
Variant type: single nucleotide variant.
Coding change: c.1288G>T on transcript NM_012120.3 (MANE Select); coding-DNA position 1288, G replaced by T.
Protein change: p.Val430Phe; replaces valine 430 with phenylalanine.
Molecular consequence: missense variant.
Genome position (GRCh38, 1-based): chr6:47,599,314, G>T. VCF-style: chr6-47599314-G-T. GRCh37 (hg19) VCF-style: chr6-47567050-G-T.
Other names: short protein forms V430F.
Identifiers: ClinVar variation 859606 (VCV000859606.8), dbSNP rs764233188, ClinGen allele CA3844296.
Genomic context (GRCh38, chr6:47,599,314, plus strand): 5'-GTCGTGTTTCATACTAGTGATTTTTGCGTGTTTTTTTCTTATTTCAGGATTAATGGGGAA[G>T]TTTCTAGCATTTCATCAAAATTTGAAACTGAGCCAGTATCAAAACTAAAGCTAGATTCTG-3'
Protein context (NP_036252.1, residues 420-440): PPPIAKINGE[Val430Phe]SSISSKFETE